The following is an entry in ClinVar:

ClinVar aggregate classification (germline): Uncertain significance (1 of 4 stars; one submission).

Conditions:
Xeroderma pigmentosum, group F (XPF). Also called: XERODERMA PIGMENTOSUM, TYPE F; ERCC4-Related Xeroderma Pigmentosum; XERODERMA PIGMENTOSUM VI; XP, GROUP F; XERODERMA PIGMENTOSUM, COMPLEMENTATION GROUP F; Xeroderma pigmentosum, type 6. Identifiers: MedGen C0268140, MONDO:0010215, OMIM 278760.

Submission:

St. Jude Molecular Pathology, St. Jude Children's Research Hospital
Classification: Uncertain significance for Xeroderma pigmentosum, group F. Last evaluated: 2023-02-23. Review status: criteria provided, single submitter. Criteria: St. Jude Assertion Criteria 2020. Collection method: clinical testing. Allele origin: germline.
Comment: The ERCC4 c.476G>A (p.Gly159Asp) missense change is absent in gnomAD v2.1.1. The in silico tool REVEL predicts a deleterious effect on protein function, but to our knowledge this prediction has not been confirmed by functional studies. To our knowledge, this variant has not been reported in individuals with Fanconi anemia or Xeroderma pigmentosum. In summary, the evidence currently available is insufficient to determine the clinical significance of this variant. It has therefore been classified as of uncertain significance.

NM_005236.3(ERCC4):c.476G>A (p.Gly159Asp)

Gene: ERCC4 (ERCC excision repair 4, endonuclease catalytic subunit; plus strand). Cytogenetic location: 16p13.12.
Variant type: single nucleotide variant.
Coding change: c.476G>A on transcript NM_005236.3 (MANE Select); coding-DNA position 476, G replaced by A.
Protein change: p.Gly159Asp; replaces glycine 159 with aspartic acid.
Molecular consequence: missense variant.
Genome position (GRCh38, 1-based): chr16:13,926,648, G>A. VCF-style: chr16-13926648-G-A. GRCh37 (hg19) VCF-style: chr16-14020505-G-A.
Other names: short protein forms G159D.
Identifiers: ClinVar variation 2444877 (VCV002444877.1), dbSNP rs2032078115, ClinGen allele CA394819875.